The following is an entry in ClinVar:

NM_000222.3(KIT):c.415A>G (p.Thr139Ala)

Gene: KIT (KIT proto-oncogene, receptor tyrosine kinase; plus strand). Cytogenetic location: 4q12.
Variant type: single nucleotide variant.
Coding change: c.415A>G on transcript NM_000222.3 (MANE Select); coding-DNA position 415, A replaced by G.
Protein change: p.Thr139Ala; replaces threonine 139 with alanine.
Molecular consequence: missense variant.
Genome position (GRCh38, 1-based): chr4:54,698,361, A>G. VCF-style: chr4-54698361-A-G. GRCh37 (hg19) VCF-style: chr4-55564527-A-G.
Other names: c.415A>G, p.Thr139Ala (NM_001093772.2, NM_001385284.1, NM_001385285.1 and 4 more transcripts); short protein forms T139A.
Identifiers: ClinVar variation 2004894 (VCV002004894.4), dbSNP rs2109672539, ClinGen allele CA356897536.
Genomic context (GRCh38, chr4:54,698,361, plus strand): 5'-CTTGTTGACCGCTCCTTGTATGGGAAAGAAGACAACGACACGCTGGTCCGCTGTCCTCTC[A>G]CAGACCCAGAAGTGACCAATTATTCCCTCAAGGGGTGCCAGGGGAAGCCTCTTCCCAAGG-3'
Protein context (NP_000213.1, residues 129-149): DNDTLVRCPL[Thr139Ala]DPEVTNYSLK

ClinVar aggregate classification (germline): Uncertain significance (1 of 4 stars; one submission).

Conditions:
Gastrointestinal stromal tumor. Also called: Gastrointestinal stroma tumor; Gastrointestinal stromal tumor, somatic. Identifiers: Orphanet 44890, MedGen C0238198, MeSH D046152, MONDO:0011719, OMIM 606764, HP:0100723.

Submission:

Labcorp Genetics (formerly Invitae), Labcorp
Classification: Uncertain significance for Gastrointestinal stromal tumor. Last evaluated: 2022-06-11. Review status: criteria provided, single submitter. Criteria: Invitae Variant Classification Sherloc (09022015). Collection method: clinical testing. Allele origin: germline.
Comment: This sequence change replaces threonine, which is neutral and polar, with alanine, which is neutral and non-polar, at codon 139 of the KIT protein (p.Thr139Ala). This variant is not present in population databases (gnomAD no frequency). In summary, the available evidence is currently insufficient to determine the role of this variant in disease. Therefore, it has been classified as a Variant of Uncertain Significance. Algorithms developed to predict the effect of missense changes on protein structure and function (SIFT, PolyPhen-2, Align-GVGD) all suggest that this variant is likely to be disruptive. This variant has not been reported in the literature in individuals affected with KIT-related conditions.